The following is an entry in ClinVar:

NM_007294.4(BRCA1):c.2780C>T (p.Ala927Val)

Gene: BRCA1 (BRCA1 DNA repair associated; minus strand). Cytogenetic location: 17q21.31.
Variant type: single nucleotide variant.
Coding change: c.2780C>T on transcript NM_007294.4 (MANE Select); coding-DNA position 2780, C replaced by T.
Protein change: p.Ala927Val; replaces alanine 927 with valine.
Molecular consequence: missense variant. On other transcripts: intron variant (137).
Genome position (GRCh38, 1-based): chr17:43,092,751, G>A on the plus strand (C>T on the coding strand, the complement: BRCA1 is on the minus strand). VCF-style: chr17-43092751-G-A. GRCh37 (hg19) VCF-style: chr17-41244768-G-A.
Other names: c.2567C>T, p.Ala856Val (NM_001407571.1, NM_001407853.1, NM_001407894.1 and 9 more transcripts); c.2780C>T, p.Ala927Val (NM_001407581.1, NM_001407582.1, NM_001407583.1 and 30 more transcripts); c.2777C>T, p.Ala926Val (NM_001407587.1, NM_001407590.1, NM_001407591.1 and 22 more transcripts); c.2771C>T, p.Ala924Val (NM_001407646.1, NM_001407647.1); c.2657C>T, p.Ala886Val (NM_001407648.1, NM_001407664.1, NM_001407665.1 and 19 more transcripts); c.2654C>T, p.Ala885Val (NM_001407649.1, NM_001407670.1, NM_001407671.1 and 11 more transcripts); c.2702C>T, p.Ala901Val (NM_001407653.1, NM_001407654.1, NM_001407655.1 and 4 more transcripts); c.2699C>T, p.Ala900Val (NM_001407659.1, NM_001407660.1, NM_001407661.1 and 1 more transcripts); and 41 more; short protein forms A631V, A799V, A800V, A815V, A859V, A880V, A900V, A926V.
Identifiers: ClinVar variation 2739324 (VCV002739324.3), dbSNP rs2154359802, ClinGen allele CA10596431.

ClinVar aggregate classification (germline): Uncertain significance (1 of 4 stars; one submission).

Conditions:
Hereditary breast ovarian cancer syndrome. Also called: BRCA1- and BRCA2-Associated Hereditary Breast and Ovarian Cancer; Hereditary breast and ovarian cancer syndrome; Hereditary breast and ovarian cancer syndrome (HBOC); Hereditary breast and/or ovarian cancer syndrome; Breast and ovarian cancer; Hereditary breast and ovarian cancer. Identifiers: Orphanet 145, MedGen C0677776, MeSH D061325, MONDO:0003582. Disease mechanism: loss of function.

Submission:

Labcorp Genetics (formerly Invitae), Labcorp
Classification: Uncertain significance for Hereditary breast ovarian cancer syndrome. Last evaluated: 2023-09-05. Review status: criteria provided, single submitter. Criteria: Invitae Variant Classification Sherloc (09022015). Collection method: clinical testing. Allele origin: germline.
Comment: In summary, the available evidence is currently insufficient to determine the role of this variant in disease. Therefore, it has been classified as a Variant of Uncertain Significance. Advanced modeling of protein sequence and biophysical properties (such as structural, functional, and spatial information, amino acid conservation, physicochemical variation, residue mobility, and thermodynamic stability) performed at Invitae indicates that this missense variant is not expected to disrupt BRCA1 protein function. This variant has not been reported in the literature in individuals affected with BRCA1-related conditions. This variant is not present in population databases (gnomAD no frequency). This sequence change replaces alanine, which is neutral and non-polar, with valine, which is neutral and non-polar, at codon 927 of the BRCA1 protein (p.Ala927Val).